The following is an entry in ClinVar:

NM_001253697.2(ERBIN):c.3832C>G (p.Gln1278Glu)

Gene: ERBIN (erbb2 interacting protein; plus strand). Cytogenetic location: 5q12.3.
Variant type: single nucleotide variant.
Coding change: c.3832C>G on transcript NM_001253697.2 (MANE Select); coding-DNA position 3832, C replaced by G.
Protein change: p.Gln1278Glu; replaces glutamine 1278 with glutamic acid.
Molecular consequence: missense variant. On other transcripts: intron variant (1).
Genome position (GRCh38, 1-based): chr5:66,075,099, C>G. VCF-style: chr5-66075099-C-G. GRCh37 (hg19) VCF-style: chr5-65370927-C-G.
Other names: c.3709C>G, p.Gln1237Glu (NM_001253698.2, NM_018695.4); c.3853C>G, p.Gln1285Glu (NM_001253699.2); c.3697C>G, p.Gln1233Glu (NM_001253701.2); c.3634-1217C>G (NM_001006600.3); c.3853C>G (NM_001253699.1); short protein forms Q1237E, Q1278E, Q1233E, Q1285E.
Identifiers: ClinVar variation 1917023 (VCV001917023.7), dbSNP rs201285970, ClinGen allele CA3286739.

ClinVar aggregate classification (germline): Uncertain significance. Review status: criteria provided, single submitter (1 of 4 stars). 2 submissions from 2 submitters: Uncertain significance (1). 1 of the submissions does not count toward it. Last evaluated 2025-12-23.

Conditions:
ERBIN-related disorder. Also called: ERBIN-related condition.

Allele frequency attached by ClinVar (database versions not stated): TOPMed 0.00001; gnomAD 0.00002; ExAC 0.00003; gnomAD exomes 0.00003; 1000 Genomes Project 30x 0.00016; 1000 Genomes Project 0.00020.
gnomAD v4.1: 46 of 1,614,148 alleles (0.0028%); highest among the groups gnomAD compares: Non-Finnish European, 0.0038%; no homozygotes.

Submissions (2):

Labcorp Genetics (formerly Invitae), Labcorp
Classification: Uncertain significance. Last evaluated: 2025-12-23. Review status: criteria provided, single submitter. Criteria: Invitae Variant Classification Sherloc (09022015). Collection method: clinical testing. Allele origin: germline.
Comment: This sequence change replaces glutamine, which is neutral and polar, with glutamic acid, which is acidic and polar, at codon 1278 of the ERBIN protein (p.Gln1278Glu). This variant is present in population databases (rs201285970, gnomAD 0.004%). This variant has not been reported in the literature in individuals affected with ERBIN-related conditions. ClinVar contains an entry for this variant (Variation ID: 1917023). An algorithm developed to predict the effect of missense changes on protein structure and function (PolyPhen-2) suggests that this variant is likely to be tolerated. In summary, the available evidence is currently insufficient to determine the role of this variant in disease. Therefore, it has been classified as a Variant of Uncertain Significance.

PreventionGenetics, part of Exact Sciences
Classification: Uncertain significance for ERBIN-related condition. Last evaluated: 2023-12-05. Review status: no assertion criteria provided. Collection method: clinical testing. Allele origin: germline. Not counted in ClinVar's aggregate classification.
Comment: The ERBIN c.3853C>G variant is predicted to result in the amino acid substitution p.Gln1285Glu. To our knowledge, this variant has not been reported in the literature. This variant is reported in 0.0035% of alleles in individuals of European (Non-Finnish) descent in gnomAD. At this time, the clinical significance of this variant is uncertain due to the absence of conclusive functional and genetic evidence.